The following is an entry in ClinVar:

NM_177550.5(SLC13A5):c.717-263A>C

Gene: SLC13A5 (solute carrier family 13 member 5; minus strand). Cytogenetic location: 17p13.1.
Variant type: single nucleotide variant.
Coding change: c.717-263A>C on transcript NM_177550.5 (MANE Select); 263 bases into the intron before coding-DNA position 717, A replaced by C.
Molecular consequence: intron variant.
Genome position (GRCh38, 1-based): chr17:6,701,389, T>G on the plus strand (A>C on the coding strand, the complement: SLC13A5 is on the minus strand). VCF-style: chr17-6701389-T-G. GRCh37 (hg19) VCF-style: chr17-6604708-T-G.
Other names: c.588-263A>C (NM_001284510.2); c.666-263A>C (NM_001284509.2); c.717-263A>C (NM_001143838.3).
Identifiers: ClinVar variation 667465 (VCV000667465.1), dbSNP rs218671, ClinGen allele CA14370080.

ClinVar aggregate classification (germline): Benign (1 of 4 stars; one submission).

Allele frequency attached by ClinVar (database versions not stated): gnomAD 0.50953 and 0.51197; TOPMed 0.52895; 1000 Genomes Project 0.58267; 1000 Genomes Project 30x 0.58432.

Submission:

GeneDx
Classification: Benign. Last evaluated: 2018-06-18. Review status: criteria provided, single submitter. Criteria: GeneDx Variant Classification (06012015). Collection method: clinical testing. Allele origin: germline. Affected: yes.
Comment: This variant is considered likely benign or benign based on one or more of the following criteria: it is a conservative change, it occurs at a poorly conserved position in the protein, it is predicted to be benign by multiple in silico algorithms, and/or has population frequency not consistent with disease.